The following is an entry in ClinVar:

NM_024301.5(FKRP):c.68A>G (p.Tyr23Cys)

Gene: FKRP (fukutin related protein; plus strand). Cytogenetic location: 19q13.32.
Variant type: single nucleotide variant.
Coding change: c.68A>G on transcript NM_024301.5 (MANE Select); coding-DNA position 68, A replaced by G.
Protein change: p.Tyr23Cys; replaces tyrosine 23 with cysteine.
Molecular consequence: missense variant.
Genome position (GRCh38, 1-based): chr19:46,755,518, A>G. VCF-style: chr19-46755518-A-G. GRCh37 (hg19) VCF-style: chr19-47258775-A-G.
Other names: c.68A>G, p.Tyr23Cys (NM_001039885.3); short protein forms Y23C.
Identifiers: ClinVar variation 663660 (VCV000663660.11), dbSNP rs201951207, ClinGen allele CA9532103.

ClinVar aggregate classification (germline): Uncertain significance. Review status: criteria provided, multiple submitters, no conflicts (2 of 4 stars). 5 submissions from 5 submitters: Uncertain significance (4). 1 of the submissions does not count toward it. Last evaluated 2025-06-09.

Conditions:
Walker-Warburg congenital muscular dystrophy. Also called: Muscular dystrophy-dystroglycanopathy, type A; Walker-Warburg syndrome. Identifiers: Orphanet 899, MedGen C0265221, MONDO:0000171.
Muscular dystrophy-dystroglycanopathy (congenital with brain and eye anomalies), type A1 (MDDGA1). Also called: Muscular dystrophy-dystroglycanopathy (congenital with brain and eye anomalies), type A, 1; WALKER-WARBURG SYNDROME OR MUSCLE-EYE-BRAIN DISEASE, POMT1-RELATED; Hydrocephalus, agyria and retinal dysplasia; Hard +/- E syndrome; Warburg syndrome; Chemke syndrome. Identifiers: Orphanet 588, Orphanet 899, MedGen C4284790, MONDO:0009364, OMIM 236670.
Muscular dystrophy-dystroglycanopathy (congenital with brain and eye anomalies), type A5. Also called: MUSCULAR DYSTROPHY-DYSTROGLYCANOPATHY (CONGENITAL WITH BRAIN AND EYE ANOMALIES), TYPE A, 5; WALKER-WARBURG SYNDROME OR MUSCLE-EYE-BRAIN DISEASE, FKRP-RELATED. Identifiers: Orphanet 588, Orphanet 899, MedGen C3150413, MONDO:0013157, OMIM 613153.
Autosomal recessive limb-girdle muscular dystrophy type 2I. Also called: MUSCULAR DYSTROPHY-DYSTROGLYCANOPATHY (LIMB-GIRDLE), TYPE C, 5; MUSCULAR DYSTROPHY-DYSTROGLYCANOPATHY, LIMB-GIRDLE, FRKP-RELATED; MUSCULAR DYSTROPHY, LIMB-GIRDLE, TYPE 2I. Identifiers: Orphanet 34515, MedGen C1846672, MONDO:0011787, OMIM 607155.
Muscular dystrophy-dystroglycanopathy type B5 (MDDGB5). Also called: MUSCULAR DYSTROPHY-DYSTROGLYCANOPATHY (CONGENITAL WITH OR WITHOUT IMPAIRED INTELLECTUAL DEVELOPMENT), TYPE B, 5; MUSCULAR DYSTROPHY, CONGENITAL, 1C; MUSCULAR DYSTROPHY, CONGENITAL, FKRP-RELATED. Identifiers: MedGen C1847759, MONDO:0011688, OMIM 606612.
Cardiovascular phenotype. Identifiers: MedGen CN230736.

Allele frequency attached by ClinVar (database versions not stated): gnomAD exomes 0.00002 and 0.00004; ExAC 0.00003; gnomAD 0.00003 and 0.00005; TOPMed 0.00003; 1000 Genomes Project 0.00040; 1000 Genomes Project 30x 0.00062.
gnomAD v4.1: 37 of 1,610,720 alleles (0.0023%); highest among the groups gnomAD compares: East Asian, 0.018%; no homozygotes.

Submissions (5):

Ambry Genetics
Classification: Uncertain significance for Cardiovascular phenotype. Last evaluated: 2025-06-09. Review status: criteria provided, single submitter. Criteria: Ambry Variant Classification Scheme 2023. Collection method: clinical testing. Allele origin: germline.
Comment: The p.Y23C variant (also known as c.68A>G), located in coding exon 1 of the FKRP gene, results from an A to G substitution at nucleotide position 68. The tyrosine at codon 23 is replaced by cysteine, an amino acid with highly dissimilar properties. This amino acid position is highly conserved in available vertebrate species. In addition, this alteration is predicted to be deleterious by in silico analysis. Since supporting evidence is limited at this time, the clinical significance of this alteration remains unclear.

Blueprint Genetics
Classification: Uncertain significance. Last evaluated: 2023-12-16. Review status: criteria provided, single submitter. Criteria: ACMG Guidelines, 2015. Collection method: clinical testing. Allele origin: germline.

Labcorp Genetics (formerly Invitae), Labcorp
Classification: Uncertain significance for Walker-Warburg congenital muscular dystrophy. Last evaluated: 2022-10-13. Review status: criteria provided, single submitter. Criteria: Invitae Variant Classification Sherloc (09022015). Collection method: clinical testing. Allele origin: germline.
Comment: This sequence change replaces tyrosine, which is neutral and polar, with cysteine, which is neutral and slightly polar, at codon 23 of the FKRP protein (p.Tyr23Cys). This variant is present in population databases (rs201951207, gnomAD 0.03%). This variant has not been reported in the literature in individuals affected with FKRP-related conditions. ClinVar contains an entry for this variant (Variation ID: 663660). Advanced modeling of protein sequence and biophysical properties (such as structural, functional, and spatial information, amino acid conservation, physicochemical variation, residue mobility, and thermodynamic stability) performed at Invitae indicates that this missense variant is not expected to disrupt FKRP protein function. In summary, the available evidence is currently insufficient to determine the role of this variant in disease. Therefore, it has been classified as a Variant of Uncertain Significance.

Fulgent Genetics
Classification: Uncertain significance for Muscular dystrophy-dystroglycanopathy (congenital with brain and eye anomalies), type A1; Muscular dystrophy-dystroglycanopathy type B5; Autosomal recessive limb-girdle muscular dystrophy type 2I; Muscular dystrophy-dystroglycanopathy (congenital with brain and eye anomalies), type A5. Last evaluated: 2022-01-10. Review status: criteria provided, single submitter. Criteria: ACMG Guidelines, 2015. Collection method: clinical testing. Allele origin: unknown.

Natera, Inc.
Classification: Uncertain significance for Limb-girdle muscular dystrophy type 2I. Last evaluated: 2020-09-21. Review status: no assertion criteria provided. Collection method: clinical testing. Allele origin: germline. Not counted in ClinVar's aggregate classification.